The following is an entry in ClinVar:

NM_201384.3(PLEC):c.6005G>A (p.Arg2002Gln)

Gene: PLEC (plectin; minus strand). Cytogenetic location: 8q24.3.
Variant type: single nucleotide variant.
Coding change: c.6005G>A on transcript NM_201384.3 (MANE Select); coding-DNA position 6005, G replaced by A.
Protein change: p.Arg2002Gln; replaces arginine 2002 with glutamine.
Molecular consequence: missense variant.
Genome position (GRCh38, 1-based): chr8:143,923,924, C>T on the plus strand (G>A on the coding strand, the complement: PLEC is on the minus strand). VCF-style: chr8-143923924-C-T. GRCh37 (hg19) VCF-style: chr8-144998092-C-T.
Other names: c.6086G>A, p.Arg2029Gln (NM_000445.5); c.5963G>A, p.Arg1988Gln (NM_201378.4); c.5939G>A, p.Arg1980Gln (NM_201379.3); c.6416G>A, p.Arg2139Gln (NM_201380.4); c.5909G>A, p.Arg1970Gln (NM_201381.3); c.6005G>A, p.Arg2002Gln (NM_201382.4); c.6017G>A, p.Arg2006Gln (NM_201383.3); short protein forms R1970Q, R1980Q, R1988Q, R2002Q, R2006Q, R2029Q, R2139Q.
Identifiers: ClinVar variation 497029 (VCV000497029.10), dbSNP rs781868030, ClinGen allele CA4926148.

ClinVar aggregate classification (germline): Uncertain significance. Review status: criteria provided, multiple submitters, no conflicts (2 of 4 stars). 2 submissions from 2 submitters: Uncertain significance (2). Last evaluated 2022-10-28.

Conditions:
Epidermolysis bullosa simplex 5B, with muscular dystrophy (EBS5B). Also called: EPIDERMOLYSIS BULLOSA SIMPLEX AND LIMB-GIRDLE MUSCULAR DYSTROPHY; Epidermolysis bullosa simplex with muscular dystrophy. Identifiers: Orphanet 257, MedGen C2931072, MONDO:0009181, OMIM 226670.
Epidermolysis bullosa simplex, Ogna type (EBS5A). Also called: Pidermolysis bullosa simplex 5A, Ogna type; EPIDERMOLYSIS BULLOSA SIMPLEX 5A, OGNA TYPE. Identifiers: Orphanet 79401, MedGen C0432317, MONDO:0007555, OMIM 131950.
Autosomal recessive limb-girdle muscular dystrophy type 2Q (LGMDR17). Also called: MUSCULAR DYSTROPHY, LIMB-GIRDLE, AUTOSOMAL RECESSIVE 17. Identifiers: Orphanet 254361, MedGen C3150989, MONDO:0013390, OMIM 613723.
Epidermolysis bullosa simplex 5C, with pyloric atresia (EBS5C). Also called: Epidermolysis bullosa simplex with pyloric atresia; PLEC1-Related Epidermolysis Bullosa with Pyloric Atresia; PLEC-Related Epidermolysis Bullosa with Pyloric Atresia. Identifiers: Orphanet 158684, MedGen C2677349, MONDO:0012807, OMIM 612138.
Epidermolysis bullosa simplex with nail dystrophy (EBS5D). Identifiers: MedGen C4225309, MONDO:0014661, OMIM 616487.

Allele frequency attached by ClinVar (database versions not stated): gnomAD exomes 0.00004; ExAC 0.00008; TOPMed 0.00008; gnomAD 0.00009.

Submissions (2):

Labcorp Genetics (formerly Invitae), Labcorp
Classification: Uncertain significance for Autosomal recessive limb-girdle muscular dystrophy type 2Q; Epidermolysis bullosa simplex, Ogna type; Epidermolysis bullosa simplex with nail dystrophy; Epidermolysis bullosa simplex 5C, with pyloric atresia; Epidermolysis bullosa simplex 5B, with muscular dystrophy. Last evaluated: 2022-10-28. Review status: criteria provided, single submitter. Criteria: Invitae Variant Classification Sherloc (09022015). Collection method: clinical testing. Allele origin: germline.
Comment: In summary, the available evidence is currently insufficient to determine the role of this variant in disease. Therefore, it has been classified as a Variant of Uncertain Significance. Algorithms developed to predict the effect of missense changes on protein structure and function are either unavailable or do not agree on the potential impact of this missense change (SIFT: "Deleterious"; PolyPhen-2: "Not Available"; Align-GVGD: "Class C35"). ClinVar contains an entry for this variant (Variation ID: 497029). This variant has not been reported in the literature in individuals affected with PLEC-related conditions. This variant is present in population databases (rs781868030, gnomAD 0.03%). This sequence change replaces arginine, which is basic and polar, with glutamine, which is neutral and polar, at codon 2029 of the PLEC protein (p.Arg2029Gln).

Eurofins Ntd Llc (ga)
Classification: Uncertain significance. Last evaluated: 2017-03-05. Review status: criteria provided, single submitter. Criteria: EGL Classification Definitions 2015. Collection method: clinical testing. Allele origin: germline. Observed: 2 variant alleles, 2 heterozygotes.